The following is an entry in ClinVar:

ClinVar aggregate classification (germline): Uncertain significance (1 of 4 stars; one submission).

Conditions:
Intellectual disability, autosomal recessive 53 (NEDHSCA). Also called: GLYCOSYLPHOSPHATIDYLINOSITOL BIOSYNTHESIS DEFECT 13; Mental retardation, autosomal recessive 53; NEURODEVELOPMENTAL DISORDER WITH OR WITHOUT HYPOTONIA, SEIZURES, AND CEREBELLAR ATROPHY. Identifiers: Orphanet 488635, MedGen C4310794, MONDO:0014832, OMIM 616917.

Allele frequency attached by ClinVar (database versions not stated): ExAC 0.00003; gnomAD exomes 0.00004 and 0.00008; TOPMed 0.00005; gnomAD 0.00008; 1000 Genomes Project 30x 0.00016; 1000 Genomes Project 0.00020.
gnomAD v4.1: 129 of 1,613,872 alleles (0.008%); highest among the groups gnomAD compares: Non-Finnish European, 0.01%; no homozygotes.

Submission:

Labcorp Genetics (formerly Invitae), Labcorp
Classification: Uncertain significance for Intellectual disability, autosomal recessive 53. Last evaluated: 2022-10-13. Review status: criteria provided, single submitter. Criteria: Invitae Variant Classification Sherloc (09022015). Collection method: clinical testing. Allele origin: germline.
Comment: This sequence change replaces threonine, which is neutral and polar, with isoleucine, which is neutral and non-polar, at codon 447 of the PIGG protein (p.Thr447Ile). This variant is present in population databases (rs199655244, gnomAD 0.009%). This variant has not been reported in the literature in individuals affected with PIGG-related conditions. ClinVar contains an entry for this variant (Variation ID: 1426479). Advanced modeling of protein sequence and biophysical properties (such as structural, functional, and spatial information, amino acid conservation, physicochemical variation, residue mobility, and thermodynamic stability) performed at Invitae indicates that this missense variant is not expected to disrupt PIGG protein function. In summary, the available evidence is currently insufficient to determine the role of this variant in disease. Therefore, it has been classified as a Variant of Uncertain Significance.

NM_001127178.3(PIGG):c.1340C>T (p.Thr447Ile)

Gene: PIGG (phosphatidylinositol glycan anchor biosynthesis class G (EMM blood group); plus strand). Cytogenetic location: 4p16.3.
Variant type: single nucleotide variant.
Coding change: c.1340C>T on transcript NM_001127178.3 (MANE Select); coding-DNA position 1340, C replaced by T.
Protein change: p.Thr447Ile; replaces threonine 447 with isoleucine.
Molecular consequence: missense variant. On other transcripts: synonymous variant (1), 5 prime UTR variant (2), non-coding transcript variant (10).
Genome position (GRCh38, 1-based): chr4:521,667, C>T. VCF-style: chr4-521667-C-T. GRCh37 (hg19) VCF-style: chr4-515456-C-T.
Other names: c.1073C>T, p.Thr358Ile (NM_001289051.2, NM_001289053.2, NM_001345986.2); c.941C>T, p.Thr314Ile (NM_001289052.2); c.928C>T, p.Pro310Ser (NM_001289055.2); c.855C>T, p.His285= (NM_001289057.2); c.1049C>T, p.Thr350Ile (NM_001345987.2); c.311C>T, p.Thr104Ile (NM_001345988.2); c.1340C>T, p.Thr447Ile (NM_001345989.2); c.-194C>T (NM_001345990.2, NM_001345991.2); and 2 more; short protein forms T314I, T447I, T350I, T81I, P310S, T104I, T358I, T439I.
Identifiers: ClinVar variation 1426479 (VCV001426479.3), dbSNP rs199655244, ClinGen allele CA2793291.
Genomic context (GRCh38, chr4:521,667, plus strand): 5'-GTGGGTTTCTCCAAGCCCAGCAGTCTGTGGATGCTGCTGTTTCTCTGTTCCAGGTTCTCA[C>T]CCTGCTCCTGCTCAGCGTCCCACAGGCACTGCGCAGAAAGGCTGAGCTGGAAGTCCCACT-3'
Protein context (NP_001120650.1, residues 437-457): VGTVVVLEVL[Thr447Ile]LLLLSVPQAL